The following is an entry in ClinVar:

ClinVar aggregate classification (germline): Uncertain significance (1 of 4 stars; one submission).

Submission:

Labcorp Genetics (formerly Invitae), Labcorp
Classification: Uncertain significance. Last evaluated: 2021-11-04. Review status: criteria provided, single submitter. Criteria: Invitae Variant Classification Sherloc (09022015). Collection method: clinical testing. Allele origin: germline.
Comment: In summary, the available evidence is currently insufficient to determine the role of this variant in disease. Therefore, it has been classified as a Variant of Uncertain Significance. Algorithms developed to predict the effect of missense changes on protein structure and function are either unavailable or do not agree on the potential impact of this missense change (SIFT: "Deleterious"; PolyPhen-2: "Benign"; Align-GVGD: "Class C0"). This variant has not been reported in the literature in individuals affected with TBX15-related conditions. This variant is not present in population databases (gnomAD no frequency). This sequence change replaces serine, which is neutral and polar, with cysteine, which is neutral and slightly polar, at codon 339 of the TBX15 protein (p.Ser339Cys).

NM_001330677.2(TBX15):c.1334C>G (p.Ser445Cys)

Gene: TBX15 (T-box transcription factor 15; minus strand). Cytogenetic location: 1p12.
Variant type: single nucleotide variant.
Coding change: c.1334C>G on transcript NM_001330677.2 (MANE Select); coding-DNA position 1334, C replaced by G.
Protein change: p.Ser445Cys; replaces serine 445 with cysteine.
Molecular consequence: missense variant.
Genome position (GRCh38, 1-based): chr1:118,885,207, G>C on the plus strand (C>G on the coding strand, the complement: TBX15 is on the minus strand). VCF-style: chr1-118885207-G-C. GRCh37 (hg19) VCF-style: chr1-119427830-G-C.
Other names: c.1016C>G, p.Ser339Cys (NM_152380.3); short protein forms S445C, S339C.
Identifiers: ClinVar variation 1387204 (VCV001387204.6), dbSNP rs2101422461, ClinGen allele CA341432734.
Genomic context (GRCh38, chr1:118,885,207, plus strand): 5'-TAGGCTTCCATCTTGCTGTTGCCAGGCAACGAGGGAGGAGTTGGTATTCCTGAGATCAGG[G>C]ATGGAGTCCTCTGAGGCATGAAGGTTTCAGAGGGCTGAGTGGCTGAAGTGGTGCCACTCT-3'
Protein context (NP_001317606.1, residues 435-455): SETFMPQRTP[Ser445Cys]LISGIPTPPS